The following is an entry in ClinVar:

NM_133259.4(LRPPRC):c.2755C>T (p.Arg919Ter)

Gene: LRPPRC (leucine rich pentatricopeptide repeat containing; minus strand). Cytogenetic location: 2p21.
Variant type: single nucleotide variant.
Coding change: c.2755C>T on transcript NM_133259.4 (MANE Select); coding-DNA position 2755, C replaced by T.
Protein change: p.Arg919Ter; replaces arginine 919 with a stop codon.
Molecular consequence: nonsense.
Genome position (GRCh38, 1-based): chr2:43,925,943, G>A on the plus strand (C>T on the coding strand, the complement: LRPPRC is on the minus strand). VCF-style: chr2-43925943-G-A. GRCh37 (hg19) VCF-style: chr2-44153082-G-A.
Other names: short protein forms R919*.
Identifiers: ClinVar variation 557004 (VCV000557004.9), dbSNP rs1166980943, ClinGen allele CA346670145.

ClinVar aggregate classification (germline): Pathogenic/Likely pathogenic. Review status: criteria provided, multiple submitters, no conflicts (2 of 4 stars). 3 submissions from 3 submitters: Pathogenic (1); Likely pathogenic (1). 1 of the submissions does not count toward it. Last evaluated 2025-11-05.

Conditions:
Congenital lactic acidosis, Saguenay-Lac-Saint-Jean type (MC4DN5). Also called: MITOCHONDRIAL COMPLEX IV DEFICIENCY, NUCLEAR TYPE 5; CYTOCHROME c OXIDASE DEFICIENCY, FRENCH CANADIAN TYPE; COX DEFICIENCY, FRENCH CANADIAN TYPE. Identifiers: Orphanet 70472, MedGen C1857355, MONDO:0009069, OMIM 220111.

Allele frequency attached by ClinVar (database versions not stated): gnomAD exomes below 0.00001; gnomAD 0.00001; TOPMed 0.00002.
gnomAD v4.1: 4 of 1,609,352 alleles (0.00025%); highest among the groups gnomAD compares: African/African-American, 0.0013%; no homozygotes.

Submissions (3):

Natera, Inc.
Classification: Likely pathogenic for French-Canadian type Leigh syndrome. Last evaluated: 2025-11-05. Review status: criteria provided, single submitter. Criteria: Natera Variant Classification Schema (03/2026). Collection method: clinical testing. Allele origin: germline.
Comment: The c.2755C>T variant in LRPPRC is a nonsense variant predicted to introduce a stop codon at amino acid 919. This variant is expected to result in nonsense mediated decay, truncation, or a dysfunctional protein product. This variant is rare in the general population with a frequency below the threshold expected for the associated phenotype(s). Given the available evidence, this variant is classified as Likely Pathogenic.

Labcorp Genetics (formerly Invitae), Labcorp
Classification: Pathogenic. Last evaluated: 2023-12-11. Review status: criteria provided, single submitter. Criteria: Invitae Variant Classification Sherloc (09022015). Collection method: clinical testing. Allele origin: germline.
Comment: This sequence change creates a premature translational stop signal (p.Arg919*) in the LRPPRC gene. It is expected to result in an absent or disrupted protein product. Loss-of-function variants in LRPPRC are known to be pathogenic (PMID: 26510951). This variant is present in population databases (no rsID available, gnomAD 0.0009%). This variant has not been reported in the literature in individuals affected with LRPPRC-related conditions. ClinVar contains an entry for this variant (Variation ID: 557004). For these reasons, this variant has been classified as Pathogenic.

Counsyl
Classification: Likely pathogenic for Congenital lactic acidosis, Saguenay-Lac-Saint-Jean type. Last evaluated: 2018-03-02. Review status: no assertion criteria provided. Collection method: clinical testing. Allele origin: unknown. Not counted in ClinVar's aggregate classification.

Literature cited by the submitters: PubMed 26510951 (cited by Labcorp Genetics (formerly Invitae), Labcorp).